The following is an entry in ClinVar:

NM_199355.4(ADAMTS18):c.1614+4T>C

Gene: ADAMTS18 (ADAM metallopeptidase with thrombospondin type 1 motif 18; minus strand). Cytogenetic location: 16q23.1.
Variant type: single nucleotide variant.
Coding change: c.1614+4T>C on transcript NM_199355.4 (MANE Select); 4 bases into the intron after coding-DNA position 1614, T replaced by C.
Molecular consequence: intron variant.
Genome position (GRCh38, 1-based): chr16:77,353,729, A>G on the plus strand (T>C on the coding strand, the complement: ADAMTS18 is on the minus strand). VCF-style: chr16-77353729-A-G. GRCh37 (hg19) VCF-style: chr16-77387626-A-G.
Other names: c.1098+4T>C (NM_001326358.2).
Identifiers: ClinVar variation 1489021 (VCV001489021.4), dbSNP rs1443862084, ClinGen allele CA724136624.

ClinVar aggregate classification (germline): Uncertain significance (1 of 4 stars; one submission).

Allele frequency attached by ClinVar (database versions not stated): TOPMed 0.00001; gnomAD 0.00001.
gnomAD v4.1: 2 of 1,614,122 alleles (0.00012%); highest among the groups gnomAD compares: Non-Finnish European, 0.00017%; no homozygotes.

Submission:

Labcorp Genetics (formerly Invitae), Labcorp
Classification: Uncertain significance. Last evaluated: 2020-11-19. Review status: criteria provided, single submitter. Criteria: Invitae Variant Classification Sherloc (09022015). Collection method: clinical testing. Allele origin: germline.
Comment: In summary, the available evidence is currently insufficient to determine the role of this variant in disease. Therefore, it has been classified as a Variant of Uncertain Significance. Nucleotide substitutions within the consensus splice site are a relatively common cause of aberrant splicing (PMID: 17576681, 9536098). Experimental studies and prediction algorithms are not available or were not evaluated, and the effect of this variant on mRNA splicing is currently unknown. This variant has not been reported in the literature in individuals with ADAMTS18-related conditions. This variant is not present in population databases (ExAC no frequency). This sequence change falls in intron 10 of the ADAMTS18 gene. It does not directly change the encoded amino acid sequence of the ADAMTS18 protein. It affects a nucleotide within the consensus splice site of the intron.

Literature cited by the submitters: PubMed 17576681; PubMed 9536098.